The following is an entry in ClinVar:

NM_000368.5(TSC1):c.2136T>C (p.His712=)

Gene: TSC1 (TSC complex subunit 1; minus strand). Cytogenetic location: 9q34.13.
Variant type: single nucleotide variant.
Coding change: c.2136T>C on transcript NM_000368.5 (MANE Select); coding-DNA position 2136, T replaced by C.
Protein change: p.His712=; no amino-acid change (histidine 712 retained).
Molecular consequence: synonymous variant.
Genome position (GRCh38, 1-based): chr9:132,903,723, A>G on the plus strand (T>C on the coding strand, the complement: TSC1 is on the minus strand). VCF-style: chr9-132903723-A-G. GRCh37 (hg19) VCF-style: chr9-135779110-A-G.
Other names: c.2133T>C, p.His711= (NM_001162426.2); c.1983T>C, p.His661= (NM_001162427.2); c.1773T>C, p.His591= (NM_001362177.2).
Identifiers: ClinVar variation 534508 (VCV000534508.22), dbSNP rs1554815286, ClinGen allele CA467590707.
Genomic context (GRCh38, chr9:132,903,723, plus strand): 5'-ATGTTCCTCCAGAGCTGCTGCTTTGATCACCTTGCGGAGGAGCCGCCTGTTCCGGAGGGC[A>G]TGCTGCTGCCTCTTAAAACGCTCATAGAGTAACTGGTTGTGCAGTAAAAGCAACTGGTCT-3'
Protein context (NP_000359.1, residues 702-722): LLYERFKRQQ[His712=]ALRNRRLLRK

ClinVar aggregate classification (germline): Benign/Likely benign. Review status: criteria provided, multiple submitters, no conflicts (2 of 4 stars). 4 submissions from 4 submitters: Benign (1); Likely benign (3). Last evaluated 2025-08-01.

Conditions:
Hereditary cancer-predisposing syndrome. Also called: Hereditary Cancer Syndrome; Tumor predisposition; Neoplastic Syndromes, Hereditary; Hereditary neoplastic syndrome. Identifiers: Orphanet 140162, MedGen C0027672, MeSH D009386, MONDO:0015356.
Tuberous sclerosis 1 (TSC1). Identifiers: Orphanet 805, MedGen C1854465, MONDO:0008612, OMIM 191100.

Submissions (4):

CeGaT Center for Human Genetics Tuebingen
Classification: Likely benign. Last evaluated: 2025-08-01. Review status: criteria provided, single submitter. Criteria: CeGaT Center For Human Genetics Tuebingen Variant Classification Criteria Version 2. Collection method: clinical testing. Allele origin: germline. Affected: yes. Observed: 1 variant allele.
Comment: TSC1: PM2:Supporting, BP4, BP7

Myriad Genetics, Inc.
Classification: Benign for Tuberous sclerosis 1. Last evaluated: 2025-04-24. Review status: criteria provided, single submitter. Criteria: Myriad Autosomal Dominant, Autosomal Recessive and X-Linked Classification Criteria (2023). Collection method: clinical testing. Allele origin: unknown.
Comment: This variant is considered benign. This variant is a silent/synonymous amino acid change and it is not expected to impact splicing.

Ambry Genetics
Classification: Likely benign for Hereditary cancer-predisposing syndrome. Last evaluated: 2021-12-01. Review status: criteria provided, single submitter. Criteria: Ambry Variant Classification Scheme 2023. Collection method: clinical testing. Allele origin: germline.

Labcorp Genetics (formerly Invitae), Labcorp
Classification: Likely benign for Tuberous sclerosis 1. Last evaluated: 2019-10-19. Review status: criteria provided, single submitter. Criteria: Invitae Variant Classification Sherloc (09022015). Collection method: clinical testing. Allele origin: germline.